The following is an entry in ClinVar:

ClinVar aggregate classification (germline): Conflicting classifications of pathogenicity. Review status: criteria provided, conflicting classifications (1 of 4 stars). 6 submissions from 6 submitters: Uncertain significance (1); Likely benign (5). Last evaluated 2026-01-19.

Conditions:
Autosomal recessive limb-girdle muscular dystrophy type 2J (LGMDR10). Also called: MUSCULAR DYSTROPHY, LIMB-GIRDLE, AUTOSOMAL RECESSIVE 10; Limb-girdle muscular dystrophy, type 2J. Identifiers: Orphanet 140922, MedGen C1837342, MONDO:0012127, OMIM 608807.
Dilated cardiomyopathy 1G (CMD1G). Identifiers: Orphanet 154, MedGen C1858763, MONDO:0011400, OMIM 604145.
TTN-related disorder. Also called: TTN-related condition; TTN-related disease; TTN-related disorders.
Cardiovascular phenotype. Identifiers: MedGen CN230736.

Allele frequency attached by ClinVar (database versions not stated): gnomAD 0.00003; gnomAD exomes 0.00004; TOPMed 0.00007; ESP Exome Variant Server 0.00008.
gnomAD v4.1: 71 of 1,587,836 alleles (0.0045%); highest among the groups gnomAD compares: Non-Finnish European, 0.0056%; no homozygotes.

Submissions (6):

Labcorp Genetics (formerly Invitae), Labcorp
Classification: Likely benign for Dilated cardiomyopathy 1G; Autosomal recessive limb-girdle muscular dystrophy type 2J. Last evaluated: 2026-01-19. Review status: criteria provided, single submitter. Criteria: Invitae Variant Classification Sherloc (09022015). Collection method: clinical testing. Allele origin: germline.

Women's Health and Genetics/Laboratory Corporation of America, LabCorp
Classification: Likely benign. Last evaluated: 2025-11-24. Review status: criteria provided, single submitter. Criteria: LabCorp Variant Classification Summary - May 2015. Collection method: clinical testing. Allele origin: germline.

PreventionGenetics, part of Exact Sciences
Classification: Likely benign for TTN-related condition. Last evaluated: 2025-05-21. Review status: criteria provided, single submitter. Criteria: ACMG Guidelines, 2015. Collection method: clinical testing. Allele origin: germline.
Comment: This variant is classified as likely benign based on ACMG/AMP sequence variant interpretation guidelines (Richards et al. 2015 PMID: 25741868, with internal and published modifications).

Ambry Genetics
Classification: Likely benign for Cardiovascular phenotype. Last evaluated: 2019-08-27. Review status: criteria provided, single submitter. Criteria: Ambry Variant Classification Scheme 2023. Collection method: clinical testing. Allele origin: germline.

GeneDx
Classification: Likely benign. Last evaluated: 2018-05-02. Review status: criteria provided, single submitter. Criteria: GeneDx Variant Classification (06012015). Collection method: clinical testing. Allele origin: germline. Affected: yes.
Comment: This variant is considered likely benign or benign based on one or more of the following criteria: it is a conservative change, it occurs at a poorly conserved position in the protein, it is predicted to be benign by multiple in silico algorithms, and/or has population frequency not consistent with disease.

Eurofins Ntd Llc (ga)
Classification: Uncertain significance. Last evaluated: 2017-09-22. Review status: criteria provided, single submitter. Criteria: EGL Classification Definitions 2015. Collection method: clinical testing. Allele origin: germline. Observed: 1 variant allele, 1 heterozygote.

NM_001267550.2(TTN):c.99840T>C (p.Asp33280=)

Genes: TTN (titin; minus strand), TTN-AS1 (TTN antisense RNA 1; plus strand), LOC126806420 (BRD4-independent group 4 enhancer GRCh37_chr2:179401104-179402303; plus strand). Cytogenetic location: 2q31.2.
Variant type: single nucleotide variant.
Coding change: c.99840T>C on transcript NM_001267550.2 (MANE Select); coding-DNA position 99840, T replaced by C.
Protein change: p.Asp33280=; no amino-acid change (aspartic acid 33280 retained).
Molecular consequence: synonymous variant. On other transcripts: non-coding transcript variant (1).
Genome position (GRCh38, 1-based): chr2:178,537,367, A>G on the plus strand (T>C on the coding strand, the complement: TTN is on the minus strand). VCF-style: chr2-178537367-A-G. GRCh37 (hg19) VCF-style: chr2-179402094-A-G.
Other names: c.94917T>C, p.Asp31639= (NM_001256850.1); c.72645T>C, p.Asp24215= (NM_003319.4); c.92136T>C, p.Asp30712= (NM_133378.4); c.73020T>C, p.Asp24340= (NM_133432.3); c.73221T>C, p.Asp24407= (NM_133437.4).
Identifiers: ClinVar variation 594195 (VCV000594195.22), dbSNP rs375178211, ClinGen allele CA1986134.